The following is an entry in ClinVar:

NM_002161.6(IARS1):c.2698G>A (p.Val900Ile)

Gene: IARS1 (isoleucyl-tRNA synthetase 1; minus strand). Cytogenetic location: 9q22.31.
Variant type: single nucleotide variant.
Coding change: c.2698G>A on transcript NM_002161.6 (MANE Select); coding-DNA position 2698, G replaced by A.
Protein change: p.Val900Ile; replaces valine 900 with isoleucine.
Molecular consequence: missense variant. On other transcripts: non-coding transcript variant (1).
Genome position (GRCh38, 1-based): chr9:92,247,470, C>T on the plus strand (G>A on the coding strand, the complement: IARS1 is on the minus strand). VCF-style: chr9-92247470-C-T. GRCh37 (hg19) VCF-style: chr9-95009752-C-T.
Other names: c.2698G>A, p.Val900Ile (NM_001378580.1, NM_001378585.1, NM_001378586.1 and 9 more transcripts); c.2602G>A, p.Val868Ile (NM_001378582.1); c.2575G>A, p.Val859Ile (NM_001378583.1); c.2623G>A, p.Val875Ile (NM_001378584.1, NM_001374299.1, NM_001374300.1); c.2614G>A, p.Val872Ile (NM_001374301.1); c.2761G>A, p.Val921Ile (NM_001378569.1); c.2719G>A, p.Val907Ile (NM_001378571.1); short protein forms V859I, V868I, V907I, V872I, V900I, V921I, V875I.
Identifiers: ClinVar variation 4775024 (VCV004775024.1).
Genomic context (GRCh38, chr9:92,247,470, plus strand): 5'-TCAACTGCTTGATGGACGTCATCACTGCCTTAAAGGCTCCCTTCAGACGCTTCCCCAGGA[C>T]CATGTGATCTGGTTCTGCCCTTAGCCGAATGCCATACTTGTTTTTATCTGTAGACAGTGT-3'
Protein context (NP_002152.2, residues 890-910): IRLRAEPDHM[Val900Ile]LGKRLKGAFK

ClinVar aggregate classification (germline): Uncertain significance (1 of 4 stars; one submission).

Submission:

Labcorp Genetics (formerly Invitae), Labcorp
Classification: Uncertain significance. Last evaluated: 2025-10-06. Review status: criteria provided, single submitter. Criteria: Invitae Variant Classification Sherloc (09022015). Collection method: clinical testing. Allele origin: germline.
Comment: This sequence change replaces valine, which is neutral and non-polar, with isoleucine, which is neutral and non-polar, at codon 900 of the IARS protein (p.Val900Ile). This variant is not present in population databases (gnomAD no frequency). This variant has not been reported in the literature in individuals affected with IARS-related conditions. An algorithm developed to predict the effect of missense changes on protein structure and function outputs the following: PolyPhen-2: "Benign". The isoleucine amino acid residue is found in multiple mammalian species, which suggests that this missense change does not adversely affect protein function. In summary, the available evidence is currently insufficient to determine the role of this variant in disease. Therefore, it has been classified as a Variant of Uncertain Significance.